The following is an entry in ClinVar:

ClinVar aggregate classification (germline): Uncertain significance (1 of 4 stars; one submission).

Conditions:
Neurofibromatosis, type 1 (NF1). Also called: Neurofibromatosis, type I; VON RECKLINGHAUSEN DISEASE; NEUROFIBROMATOSIS, TYPE I, SOMATIC; Peripheral type neurofibromatosis. Identifiers: Orphanet 636, MedGen C0027831, MONDO:0018975, OMIM 162200. Disease mechanism: loss of function.

Submission:

Labcorp Genetics (formerly Invitae), Labcorp
Classification: Uncertain significance for Neurofibromatosis, type 1. Last evaluated: 2025-08-29. Review status: criteria provided, single submitter. Criteria: Invitae Variant Classification Sherloc (09022015). Collection method: clinical testing. Allele origin: germline.
Comment: This sequence change falls in intron 25 of the NF1 gene. It does not directly change the encoded amino acid sequence of the NF1 protein. This variant is not present in population databases (gnomAD no frequency). This variant has not been reported in the literature in individuals affected with NF1-related conditions. ClinVar contains an entry for this variant (Variation ID: 2080559). Algorithms developed to predict the effect of sequence changes on RNA splicing suggest that this variant may disrupt the consensus splice site. In summary, the available evidence is currently insufficient to determine the role of this variant in disease. Therefore, it has been classified as a Variant of Uncertain Significance.

NM_001042492.3(NF1):c.3315-11T>G

Gene: NF1 (neurofibromin 1; plus strand). Cytogenetic location: 17q11.2.
Variant type: single nucleotide variant.
Coding change: c.3315-11T>G on transcript NM_001042492.3 (MANE Select); 11 bases into the intron before coding-DNA position 3315, T replaced by G.
Molecular consequence: intron variant.
Genome position (GRCh38, 1-based): chr17:31,232,689, T>G. VCF-style: chr17-31232689-T-G. GRCh37 (hg19) VCF-style: chr17-29559707-T-G.
Other names: c.3315-11T>G (NM_000267.4).
Identifiers: ClinVar variation 2080559 (VCV002080559.4), dbSNP rs2151434402, ClinGen allele CA2580092997.